The following is an entry in ClinVar:

NM_004999.4(MYO6):c.2716T>C (p.Ser906Pro)

Gene: MYO6 (myosin VI; plus strand). Cytogenetic location: 6q14.1.
Variant type: single nucleotide variant.
Coding change: c.2716T>C on transcript NM_004999.4 (MANE Select); coding-DNA position 2716, T replaced by C.
Protein change: p.Ser906Pro; replaces serine 906 with proline.
Molecular consequence: missense variant. On other transcripts: non-coding transcript variant (1).
Genome position (GRCh38, 1-based): chr6:75,890,114, T>C. VCF-style: chr6-75890114-T-C. GRCh37 (hg19) VCF-style: chr6-76599831-T-C.
Other names: c.2716T>C, p.Ser906Pro (NM_001300899.2, NM_001368136.1, NM_001368137.1 and 2 more transcripts); c.2701T>C, p.Ser901Pro (NM_001368138.1); short protein forms S906P, S901P.
Identifiers: ClinVar variation 179679 (VCV000179679.5), dbSNP rs727505048, ClinGen allele CA184916.

ClinVar aggregate classification (germline): Uncertain significance. Review status: criteria provided, multiple submitters, no conflicts (2 of 4 stars). 3 submissions from 3 submitters: Uncertain significance (2). 1 of the submissions does not count toward it. Last evaluated 2025-12-14.

Conditions:
Autosomal dominant nonsyndromic hearing loss 22. Also called: DFNA 22; Autosomal dominant nonsyndromic deafness 22. Identifiers: Orphanet 228012, MedGen C2931767, MONDO:0011660, OMIM 606346.

Allele frequency attached by ClinVar (database versions not stated): gnomAD exomes below 0.00001; gnomAD 0.00001.
gnomAD v4.1: 3 of 1,612,988 alleles (0.00019%); highest among the groups gnomAD compares: Non-Finnish European, 0.00025%; no homozygotes.

Submissions (3):

Labcorp Genetics (formerly Invitae), Labcorp
Classification: Uncertain significance. Last evaluated: 2025-12-14. Review status: criteria provided, single submitter. Criteria: Invitae Variant Classification Sherloc (09022015). Collection method: clinical testing. Allele origin: germline.
Comment: This sequence change replaces serine, which is neutral and polar, with proline, which is neutral and non-polar, at codon 906 of the MYO6 protein (p.Ser906Pro). This variant is present in population databases (rs727505048, gnomAD 0.007%). This variant has not been reported in the literature in individuals affected with MYO6-related conditions. ClinVar contains an entry for this variant (Variation ID: 179679). Invitae Evidence Modeling of protein sequence and biophysical properties (such as structural, functional, and spatial information, amino acid conservation, physicochemical variation, residue mobility, and thermodynamic stability) indicates that this missense variant is not expected to disrupt MYO6 protein function with a negative predictive value of 80%. In summary, the available evidence is currently insufficient to determine the role of this variant in disease. Therefore, it has been classified as a Variant of Uncertain Significance.

Laboratory for Molecular Medicine, Mass General Brigham Personalized Medicine
Classification: Uncertain significance. Last evaluated: 2014-04-04. Review status: criteria provided, single submitter. Criteria: LMM Criteria. Collection method: clinical testing. Allele origin: germline. Observed: 1 variant allele.
Comment: The Ser906Pro variant in MYO6 has not been previously reported in individuals wi th hearing loss and was absent from large population studies. Computational pred iction tools and conservation analyses do not provide strong support for or agai nst an impact to the protein. In summary, additional information is needed to de termine the clinical significance of this variant.

Division of Human Genetics, Children's Hospital of Philadelphia
Classification: Uncertain significance for Autosomal dominant nonsyndromic hearing loss 22. Last evaluated: 2015-10-27. Review status: no assertion criteria provided. Collection method: research. Allele origin: paternal. Affected: yes. Study: CSER-PediSeq. Not counted in ClinVar's aggregate classification.